The following is an entry in ClinVar:

NM_015355.4(SUZ12):c.1604G>A (p.Arg535Gln)

Gene: SUZ12 (SUZ12 polycomb repressive complex 2 subunit; plus strand). Cytogenetic location: 17q11.2.
Variant type: single nucleotide variant.
Coding change: c.1604G>A on transcript NM_015355.4 (MANE Select); coding-DNA position 1604, G replaced by A.
Protein change: p.Arg535Gln; replaces arginine 535 with glutamine.
Molecular consequence: missense variant.
Genome position (GRCh38, 1-based): chr17:31,995,572, G>A. VCF-style: chr17-31995572-G-A. GRCh37 (hg19) VCF-style: chr17-30322591-G-A.
Other names: c.1535G>A, p.Arg512Gln (NM_001321207.2); short protein forms R512Q, R535Q.
Identifiers: ClinVar variation 1305112 (VCV001305112.3), dbSNP rs1909934091, ClinGen allele CA399033475.

ClinVar aggregate classification (germline): Uncertain significance (1 of 4 stars; one submission).

Allele frequency attached by ClinVar (database versions not stated): TOPMed below 0.00001.

Submission:

GeneDx
Classification: Uncertain significance. Last evaluated: 2025-12-22. Review status: criteria provided, single submitter. Criteria: GeneDx Variant Classification Process June 2021. Collection method: clinical testing. Allele origin: germline. Affected: yes.
Comment: Reported in a proband as either a de novo variant with confirmed parentage or inherited from a parent with low-level mosaicism and subsequently reported in the published literature (PMID: 31736240); Not observed at significant frequency in large population cohorts (gnomAD); In silico analysis supports that this missense variant has a deleterious effect on protein structure/function; This variant is associated with the following publications: (PMID: 31736240, 35982159, 33057194)